The following is an entry in ClinVar:

ClinVar aggregate classification (germline): Uncertain significance (1 of 4 stars; one submission).

Conditions:
Familial focal epilepsy with variable foci (FPEVF). Identifiers: Orphanet 98820, MedGen C1858477, MONDO:0020310.

Submission:

Labcorp Genetics (formerly Invitae), Labcorp
Classification: Uncertain significance for Familial focal epilepsy with variable foci. Last evaluated: 2022-05-15. Review status: criteria provided, single submitter. Criteria: Invitae Variant Classification Sherloc (09022015). Collection method: clinical testing. Allele origin: germline.
Comment: This variant is not present in population databases (gnomAD no frequency). In summary, the available evidence is currently insufficient to determine the role of this variant in disease. Therefore, it has been classified as a Variant of Uncertain Significance. Algorithms developed to predict the effect of missense changes on protein structure and function are either unavailable or do not agree on the potential impact of this missense change (SIFT: "Deleterious"; PolyPhen-2: "Not Available"; Align-GVGD: "Class C55"). This variant has not been reported in the literature in individuals affected with DEPDC5-related conditions. This sequence change replaces tyrosine, which is neutral and polar, with aspartic acid, which is acidic and polar, at codon 306 of the DEPDC5 protein (p.Tyr306Asp).

NM_001242896.3(DEPDC5):c.916T>G (p.Tyr306Asp)

Gene: DEPDC5 (DEP domain containing 5, GATOR1 subcomplex subunit; plus strand). Cytogenetic location: 22q12.2.
Variant type: single nucleotide variant.
Coding change: c.916T>G on transcript NM_001242896.3 (MANE Select); coding-DNA position 916, T replaced by G.
Protein change: p.Tyr306Asp; replaces tyrosine 306 with aspartic acid.
Molecular consequence: missense variant. On other transcripts: non-coding transcript variant (5).
Genome position (GRCh38, 1-based): chr22:31,798,626, T>G. VCF-style: chr22-31798626-T-G. GRCh37 (hg19) VCF-style: chr22-32194612-T-G.
Other names: c.916T>G, p.Tyr306Asp (NM_001007188.4, NM_001136029.4, NM_001242897.2 and 7 more transcripts); c.832T>G, p.Tyr278Asp (NM_001369901.1, NM_001369902.1); short protein forms Y278D, Y306D.
Identifiers: ClinVar variation 1994735 (VCV001994735.4), dbSNP rs2518768807, ClinGen allele CA411291702.